The following is an entry in ClinVar:

NM_130837.3(OPA1):c.679-1G>C

Genes: OPA1 (OPA1 mitochondrial dynamin like GTPase; plus strand), OPA1-AS1 (OPA1 antisense RNA 1; minus strand). Cytogenetic location: 3q29.
Variant type: single nucleotide variant.
Coding change: c.679-1G>C on transcript NM_130837.3 (MANE Select); the canonical splice acceptor site of the intron before coding-DNA position 679, G replaced by C.
Molecular consequence: splice acceptor variant. On other transcripts: intron variant (5).
Genome position (GRCh38, 1-based): chr3:193,626,091, G>C. VCF-style: chr3-193626091-G-C. GRCh37 (hg19) VCF-style: chr3-193343880-G-C.
Other names: c.253-5521G>C (NM_001354664.2); c.145-1G>C (NM_001354663.2); c.679-5521G>C (NM_130834.3); c.625-1G>C (NM_130836.3); c.625-5521G>C (NM_015560.3); c.571-1G>C (NM_130835.3); c.571-5521G>C (NM_130832.3); c.517-1G>C (NM_130833.3); and 1 more.
Identifiers: ClinVar variation 1633754 (VCV001633754.8), dbSNP rs762321240, ClinGen allele CA2759114.

ClinVar aggregate classification (germline): Uncertain significance (1 of 4 stars; one submission).

Allele frequency attached by ClinVar (database versions not stated): gnomAD exomes 0.00001 and 0.00002; ExAC 0.00002.
gnomAD v4.1: 8 of 1,612,520 alleles (0.0005%); highest among the groups gnomAD compares: South Asian, 0.0088%; no homozygotes.

Submission:

Labcorp Genetics (formerly Invitae), Labcorp
Classification: Uncertain significance. Last evaluated: 2023-05-23. Review status: criteria provided, single submitter. Criteria: Invitae Variant Classification Sherloc (09022015). Collection method: clinical testing. Allele origin: germline.
Comment: In summary, the available evidence is currently insufficient to determine the role of this variant in disease. Therefore, it has been classified as a Variant of Uncertain Significance. Algorithms developed to predict the effect of sequence changes on RNA splicing suggest that this variant may disrupt the consensus splice site. ClinVar contains an entry for this variant (Variation ID: 1633754). This variant has not been reported in the literature in individuals affected with OPA1-related conditions. This variant is present in population databases (rs762321240, gnomAD 0.01%). This sequence change affects an acceptor splice site in intron 6 of the OPA1 gene. It is expected to disrupt RNA splicing. Variants that disrupt the donor or acceptor splice site typically lead to a loss of protein function (PMID: 16199547), however the current clinical and genetic evidence is not sufficient to establish whether loss-of-function variants in OPA1 cause disease. The OPA1 gene has multiple clinically relevant transcripts. This variant occurs in alternate transcript NM_130837.2, and corresponds to NM_015560.2:c.625-5521G>C in the primary transcript.

Literature cited by the submitters: PubMed 16199547.